The following is an entry in ClinVar:

NM_001287491.2(TET3):c.751G>A (p.Glu251Lys)

Gene: TET3 (tet methylcytosine dioxygenase 3; plus strand). Cytogenetic location: 2p13.1.
Variant type: single nucleotide variant.
Coding change: c.751G>A on transcript NM_001287491.2 (MANE Select); coding-DNA position 751, G replaced by A.
Protein change: p.Glu251Lys; replaces glutamic acid 251 with lysine.
Molecular consequence: missense variant.
Genome position (GRCh38, 1-based): chr2:74,046,668, G>A. VCF-style: chr2-74046668-G-A. GRCh37 (hg19) VCF-style: chr2-74273795-G-A.
Other names: c.472G>A, p.Glu158Lys (NM_001366022.1); short protein forms E158K, E251K.
Identifiers: ClinVar variation 4881965 (VCV004881965.2).

ClinVar aggregate classification (germline): Uncertain significance (1 of 4 stars; one submission).

Conditions:
Beck-Fahrner syndrome (BEFAHRS). Identifiers: Orphanet 684216, MedGen C5394097, MONDO:0032922, OMIM 618798.

gnomAD v4.1: 15 of 1,613,952 alleles (0.00093%); highest among the groups gnomAD compares: African/African-American, 0.0013%; no homozygotes.

Submission:

Dasa
Classification: Uncertain significance for Beck-Fahrner syndrome. Last evaluated: 2025-11-25. Review status: criteria provided, single submitter. Criteria: DASA Assertion Criteria. Collection method: clinical testing. Allele origin: germline.
Comment: NM_001287491.2(TET3):c.751G>A (p.Glu251Lys) is a missense variant that results in the substitution of glutamic acid with lysine. This variant is rare in population databases. The currently available literature and clinical evidence are not sufficient to establish a definitive association between this variant and the reported condition. Therefore, this variant is classified as a variant of uncertain significance.